The following is an entry in ClinVar:

NM_021076.4(NEFH):c.2176G>T (p.Val726Leu)

Gene: NEFH (neurofilament heavy chain; plus strand). Cytogenetic location: 22q12.2.
Variant type: single nucleotide variant.
Coding change: c.2176G>T on transcript NM_021076.4 (MANE Select); coding-DNA position 2176, G replaced by T.
Protein change: p.Val726Leu; replaces valine 726 with leucine.
Molecular consequence: missense variant.
Genome position (GRCh38, 1-based): chr22:29,489,816, G>T. VCF-style: chr22-29489816-G-T. GRCh37 (hg19) VCF-style: chr22-29885805-G-T.
Other names: short protein forms V726L.
Identifiers: ClinVar variation 4769749 (VCV004769749.1).

ClinVar aggregate classification (germline): Uncertain significance (1 of 4 stars; one submission).

Submission:

Labcorp Genetics (formerly Invitae), Labcorp
Classification: Uncertain significance. Last evaluated: 2025-04-04. Review status: criteria provided, single submitter. Criteria: Invitae Variant Classification Sherloc (09022015). Collection method: clinical testing. Allele origin: germline.
Comment: This sequence change replaces valine, which is neutral and non-polar, with leucine, which is neutral and non-polar, at codon 726 of the NEFH protein (p.Val726Leu). This variant is not present in population databases (gnomAD no frequency). This missense change has been observed in individual(s) with amyotrophic lateral sclerosis (PMID: 28717666). Invitae Evidence Modeling of protein sequence and biophysical properties (such as structural, functional, and spatial information, amino acid conservation, physicochemical variation, residue mobility, and thermodynamic stability) indicates that this missense variant is not expected to disrupt NEFH protein function with a negative predictive value of 95%. In summary, the available evidence is currently insufficient to determine the role of this variant in disease. Therefore, it has been classified as a Variant of Uncertain Significance.

Literature cited by the submitters: PubMed 28717666.